The following is an entry in ClinVar:

ClinVar aggregate classification (germline): Uncertain significance (1 of 4 stars; one submission).

Submission:

Ambry Genetics
Classification: Uncertain significance. Last evaluated: 2023-01-21. Review status: criteria provided, single submitter. Criteria: Ambry Variant Classification Scheme 2023. Collection method: clinical testing. Allele origin: germline.
Comment: The p.H195D variant (also known as c.583C>G), located in coding exon 6 of the NQO1 gene, results from a C to G substitution at nucleotide position 583. The histidine at codon 195 is replaced by aspartic acid, an amino acid with similar properties. This amino acid position is conserved. In addition, this alteration is predicted to be tolerated by in silico analysis. Since supporting evidence is limited at this time, the clinical significance of this alteration remains unclear.

NM_000903.3(NQO1):c.583C>G (p.His195Asp)

Gene: NQO1 (NAD(P)H quinone dehydrogenase 1; minus strand). Cytogenetic location: 16q22.1.
Variant type: single nucleotide variant.
Coding change: c.583C>G on transcript NM_000903.3 (MANE Select); coding-DNA position 583, C replaced by G.
Protein change: p.His195Asp; replaces histidine 195 with aspartic acid.
Molecular consequence: missense variant.
Genome position (GRCh38, 1-based): chr16:69,711,218, G>C on the plus strand (C>G on the coding strand, the complement: NQO1 is on the minus strand). VCF-style: chr16-69711218-G-C. GRCh37 (hg19) VCF-style: chr16-69745121-G-C.
Other names: c.481C>G, p.His161Asp (NM_001025433.2); c.469C>G, p.His157Asp (NM_001025434.2); c.367C>G, p.His123Asp (NM_001286137.2); short protein forms H195D, H123D, H161D, H157D.
Identifiers: ClinVar variation 2450455 (VCV002450455.2), dbSNP rs2151741811, ClinGen allele CA396487830.
Genomic context (GRCh38, chr16:69,711,218, plus strand): 5'-TATTCTCCAGGCGTTTCTTCCATCCTTCCAGGATTTGAATTCGGGCGTCTGCTGGAGTGT[G>C]CCCAATGCTATATGTCAGTTGAGGTTCTAAGACTTGGAAGCCACAGAAATGCAGAATGCC-3'
Protein context (NP_000894.1, residues 185-205): LEPQLTYSIG[His195Asp]TPADARIQIL